The following is an entry in ClinVar:

NM_000079.4(CHRNA1):c.391C>T (p.Gln131Ter)

Gene: CHRNA1 (cholinergic receptor nicotinic alpha 1 subunit; minus strand). Cytogenetic location: 2q31.1.
Variant type: single nucleotide variant.
Coding change: c.391C>T on transcript NM_000079.4 (MANE Select); coding-DNA position 391, C replaced by T.
Protein change: p.Gln131Ter; replaces glutamine 131 with a stop codon.
Molecular consequence: nonsense.
Genome position (GRCh38, 1-based): chr2:174,754,368, G>A on the plus strand (C>T on the coding strand, the complement: CHRNA1 is on the minus strand). VCF-style: chr2-174754368-G-A. GRCh37 (hg19) VCF-style: chr2-175619096-G-A.
Other names: c.466C>T, p.Gln156Ter (NM_001039523.3); short protein forms Q156*, Q131*.
Identifiers: ClinVar variation 4730669 (VCV004730669.2).
Genomic context (GRCh38, chr2:174,754,368, plus strand): 5'-TGATCTCACAGTAGCTTTTAAAGATGGCTGGAGGTGTCCACGTGATGTGGCCAGTGTACT[G>A]CAGGAGCACTTTGGTGAACTTGACAATAGCAAAGTCACCATCTGCACTACAATTGGGATA-3'

ClinVar aggregate classification (germline): Pathogenic/Likely pathogenic. Review status: criteria provided, multiple submitters, no conflicts (2 of 4 stars). 2 submissions from 2 submitters: Pathogenic (1); Likely pathogenic (1). Last evaluated 2025-11-11.

Conditions:
Lethal multiple pterygium syndrome (LMPS). Identifiers: Orphanet 33108, MedGen C1854678, MONDO:0009668, OMIM 253290.

Submissions (2):

Labcorp Genetics (formerly Invitae), Labcorp
Classification: Pathogenic for Lethal multiple pterygium syndrome. Last evaluated: 2025-11-11. Review status: criteria provided, single submitter. Criteria: Invitae Variant Classification Sherloc (09022015). Collection method: clinical testing. Allele origin: germline.
Comment: This sequence change creates a premature translational stop signal (p.Gln131*) in the CHRNA1 gene. It is expected to result in an absent or disrupted protein product. Loss-of-function variants in CHRNA1 are known to be pathogenic (PMID: 14719537, 15907919, 18252226). This variant is not present in population databases (gnomAD no frequency). This variant has not been reported in the literature in individuals affected with CHRNA1-related conditions. For these reasons, this variant has been classified as Pathogenic.

MVZ Martinsried, Medicover Genetics
Classification: Likely pathogenic for Lethal multiple pterygium syndrome. Last evaluated: 2025-10-15. Review status: criteria provided, single submitter. Criteria: ClinGen Variant Curation SOP V3.2 + Classification Guidance July2025. Collection method: clinical testing. Allele origin: inherited. Affected: yes. Observed: 1 homozygote.

Literature cited by the submitters: PubMed 14719537 (cited by Labcorp Genetics (formerly Invitae), Labcorp); PubMed 15907919 (cited by Labcorp Genetics (formerly Invitae), Labcorp); PubMed 18252226 (cited by Labcorp Genetics (formerly Invitae), Labcorp).